The following is an entry in ClinVar:

NM_020975.6(RET):c.1730A>T (p.Asp577Val)

Gene: RET (ret proto-oncogene; plus strand). Cytogenetic location: 10q11.21.
Variant type: single nucleotide variant.
Coding change: c.1730A>T on transcript NM_020975.6 (MANE Select); coding-DNA position 1730, A replaced by T.
Protein change: p.Asp577Val; replaces aspartic acid 577 with valine.
Molecular consequence: missense variant.
Genome position (GRCh38, 1-based): chr10:43,112,934, A>T. VCF-style: chr10-43112934-A-T. GRCh37 (hg19) VCF-style: chr10-43608382-A-T.
Other names: c.1004A>T, p.Asp335Val (NM_001406778.1, NM_001406775.1, NM_001406776.1 and 1 more transcripts); c.833A>T, p.Asp278Val (NM_001406779.1, NM_001406780.1, NM_001406781.1 and 3 more transcripts); c.704A>T, p.Asp235Val (NM_001406783.1, NM_001406786.1); c.740A>T, p.Asp247Val (NM_001406784.1); c.545A>T, p.Asp182Val (NM_001406788.1, NM_001406789.1, NM_001406790.1 and 1 more transcripts); c.281A>T, p.Asp94Val (NM_001406792.1, NM_001406793.1, NM_001406794.1); c.1730A>T, p.Asp577Val (NM_020629.2, NM_020630.7, NM_000323.2 and 6 more transcripts); c.968A>T, p.Asp323Val (NM_001355216.2); and 5 more; short protein forms D323V, D577V, D335V, D431V, D235V, D182V, D247V, D278V.
Identifiers: ClinVar variation 1441502 (VCV001441502.8), dbSNP rs2132816375, ClinGen allele CA376552088.
Genomic context (GRCh38, chr10:43,112,934, plus strand): 5'-CCTGCTCTCCCAGCACCAAGACCTGCCCCGACGGCCACTGCGATGTTGTGGAGACCCAAG[A>T]CATCAACATTTGCCCTCAGGACTGCCTCCGTAAGCAGGGTTTAATCAGGGCATGGGAACA-3'
Protein context (NP_066124.1, residues 567-587): DGHCDVVETQ[Asp577Val]INICPQDCLR

ClinVar aggregate classification (germline): Uncertain significance. Review status: criteria provided, multiple submitters, no conflicts (2 of 4 stars). 2 submissions from 2 submitters: Uncertain significance (2). Last evaluated 2025-10-22.

Conditions:
Multiple endocrine neoplasia, type 2 (MEN2). Identifiers: Orphanet 653, MedGen C4048306, MONDO:0019003. Disease mechanism: gain of function.
Hereditary cancer-predisposing syndrome. Also called: Tumor predisposition; Hereditary Cancer Syndrome; Hereditary neoplastic syndrome; Neoplastic Syndromes, Hereditary. Identifiers: Orphanet 140162, MedGen C0027672, MeSH D009386, MONDO:0015356.

Submissions (2):

Ambry Genetics
Classification: Uncertain significance for Hereditary cancer-predisposing syndrome. Last evaluated: 2025-10-22. Review status: criteria provided, single submitter. Criteria: Ambry Variant Classification Scheme 2023. Collection method: clinical testing. Allele origin: germline.
Comment: The p.D577V variant (also known as c.1730A>T), located in coding exon 9 of the RET gene, results from an A to T substitution at nucleotide position 1730. The aspartic acid at codon 577 is replaced by valine, an amino acid with highly dissimilar properties. This amino acid position is conserved. In addition, the in silico prediction for this alteration is inconclusive. Based on the available evidence, the clinical significance of this variant remains unclear.

Labcorp Genetics (formerly Invitae), Labcorp
Classification: Uncertain significance for Multiple endocrine neoplasia, type 2. Last evaluated: 2021-12-11. Review status: criteria provided, single submitter. Criteria: Invitae Variant Classification Sherloc (09022015). Collection method: clinical testing. Allele origin: germline.
Comment: In summary, the available evidence is currently insufficient to determine the role of this variant in disease. Therefore, it has been classified as a Variant of Uncertain Significance. Algorithms developed to predict the effect of missense changes on protein structure and function are either unavailable or do not agree on the potential impact of this missense change (SIFT: "Deleterious"; PolyPhen-2: "Possibly Damaging"; Align-GVGD: "Class C0"). This variant has not been reported in the literature in individuals affected with RET-related conditions. This variant is not present in population databases (gnomAD no frequency). This sequence change replaces aspartic acid, which is acidic and polar, with valine, which is neutral and non-polar, at codon 577 of the RET protein (p.Asp577Val).